The following is an entry in ClinVar:

ClinVar aggregate classification (germline): Likely pathogenic (1 of 4 stars; one submission).

Conditions:
Fabry disease. Also called: Fabry's disease; ALPHA-GALACTOSIDASE A DEFICIENCY; ANDERSON-FABRY DISEASE; CERAMIDE TRIHEXOSIDASE DEFICIENCY; GLA DEFICIENCY; HEREDITARY DYSTOPIC LIPIDOSIS. Identifiers: Orphanet 324, MedGen C0002986, MONDO:0010526, OMIM 301500, HP:0001071. Disease mechanism: Fabry disease is due to inactivating mutations in the X-linked GLA gene resulting in deficiency of the enzyme Alpha Galactosidase-A., loss of function.

Submission:

Genetics Laboratory, Great Ormond Street Hospital NHS Foundation Trust, North Thames Genomic Laboratory Hub
Classification: Likely pathogenic for Fabry disease. Last evaluated: 2026-04-01. Review status: criteria provided, single submitter. Criteria: ACGS Best Practice Guidelines for Variant Classification in Rare Disease 2024 v1.2. Collection method: clinical testing. Allele origin: germline. Affected: yes.
Comment: PM2_moderate, PM5_moderate, PM4_supporting, PP4_strong

NM_000169.3(GLA):c.908_910del (p.Ile303del)

Genes: RPL36A-HNRNPH2 (RPL36A-HNRNPH2 readthrough; plus strand), GLA (galactosidase alpha; minus strand). Cytogenetic location: Xq22.1.
Variant type: Deletion.
Coding change: c.908_910del on transcript NM_000169.3 (MANE Select); coding-DNA positions 908 to 910, 3 bases deleted (TCA; older notation c.908_910delTCA).
Protein change: p.Ile303del; deletes isoleucine 303.
Molecular consequence: inframe deletion. On other transcripts: non-coding transcript variant (3), intron variant (2).
Genome position (GRCh38, 1-based): chrX:101,398,459-101,398,461, TGA deleted on the plus strand (TCA on the coding strand, the reverse complement: GLA is on the minus strand); deleting any 3 consecutive bases within chrX:101,398,459-101,398,463 gives the same sequence; the c. name uses the placement nearest the transcript's 3' end. VCF-style (leftmost placement, unchanged base first): chrX-101398458-CTGA-C. GRCh37 (hg19) VCF-style: chrX-100653446-CTGA-C.
Other names: c.1031_1033del, p.Ile344del (NM_001406747.1); c.908_910del, p.Ile303del (NM_001406748.1); c.300+3004_300+3006del (NM_001199973.2); c.177+6639_177+6641del (NM_001199974.2); short protein forms I303del, I344del.
Identifiers: ClinVar variation 4796634 (VCV004796634.2).